The following is an entry in ClinVar:

ClinVar aggregate classification (germline): Conflicting classifications of pathogenicity. Review status: criteria provided, conflicting classifications (1 of 4 stars). 6 submissions from 6 submitters: Uncertain significance (1); Benign (1); Likely benign (3). 1 of the submissions does not count toward it. Last evaluated 2026-01-19.

Conditions:
RYR1-related disorder. Also called: RYR1-related condition; RYR1-related disorders. Identifiers: MedGen CN239331.
Malignant hyperthermia, susceptibility to, 1 (MHS1). Also called: RYR1-Related Malignant Hyperthermia Susceptibility; Anesthesia related hyperthermia; Malignant hyperpyrexia; Fulminating hyperpyrexia; Pharmacogenic myopathy; Malignant hyperthermia suceptibility 1. Identifiers: Orphanet 423, MedGen C2930980, MONDO:0007783, OMIM 145600.

Allele frequency attached by ClinVar (database versions not stated): gnomAD 0.00003 and 0.00005; TOPMed 0.00004; gnomAD exomes 0.00006 and 0.00008; ExAC 0.00011; 1000 Genomes Project 30x 0.00031; 1000 Genomes Project 0.00040.
gnomAD v4.1: 95 of 1,614,012 alleles (0.0059%); highest among the groups gnomAD compares: South Asian, 0.033%; 1 homozygote.

Submissions (6):

Labcorp Genetics (formerly Invitae), Labcorp
Classification: Benign for RYR1-related disorder. Last evaluated: 2026-01-19. Review status: criteria provided, single submitter. Criteria: Invitae Variant Classification Sherloc (09022015). Collection method: clinical testing. Allele origin: germline.

Women's Health and Genetics/Laboratory Corporation of America, LabCorp
Classification: Likely benign. Last evaluated: 2024-03-13. Review status: criteria provided, single submitter. Criteria: LabCorp Variant Classification Summary - May 2015. Collection method: clinical testing. Allele origin: germline.
Comment: Variant summary: RYR1 c.9723C>T alters a conserved nucleotide resulting in a synonymous change. Consensus agreement among computation tools predict no significant impact on normal splicing. However, these predictions have yet to be confirmed by functional studies. The variant allele was found at a frequency of 8.4e-05 in 248854 control chromosomes in the gnomAD database, including 1 homozygote. This frequency does not allow for any conclusion about variant significance, but the presence of 1 homozygote may suggest a benign role for this variant. To our knowledge, no occurrence of c.9723C>T in individuals affected with Myopathy, RYR1-Associated and no experimental evidence demonstrating its impact on protein function have been reported. ClinVar contains an entry for this variant (Variation ID: 167622). Based on the evidence outlined above, the variant was classified as likely benign.

All of Us Research Program, National Institutes of Health
Classification: Likely benign for Malignant hyperthermia, susceptibility to, 1. Last evaluated: 2023-12-13. Review status: criteria provided, single submitter. Criteria: ACMG Guidelines, 2015. Collection method: clinical testing. Allele origin: germline. Inheritance: Autosomal dominant inheritance. Observed: 18 variant alleles, 18 heterozygotes.
Comment: This study involves interpretation of variants in research participants for the purpose of population health screening. Participant phenotype was not available at the time of variant classification. Additional details can be found in publication PMID: 35346344, PMCID: PMC8962531

Color Diagnostics, LLC DBA Color Health
Classification: Likely benign for Malignant hyperthermia, susceptibility to, 1. Last evaluated: 2022-10-11. Review status: criteria provided, single submitter. Criteria: ACMG Guidelines, 2015. Collection method: clinical testing. Allele origin: germline.

Eurofins Ntd Llc (ga)
Classification: Uncertain significance. Last evaluated: 2014-04-10. Review status: criteria provided, single submitter. Criteria: EGL Classification Definitions 2015. Collection method: clinical testing. Allele origin: germline. Observed: 1 variant allele, 1 heterozygote.

PreventionGenetics, part of Exact Sciences
Classification: Likely benign for RYR1-related condition. Last evaluated: 2021-09-23. Review status: no assertion criteria provided. Collection method: clinical testing. Allele origin: germline. Not counted in ClinVar's aggregate classification.
Comment: This variant is classified as likely benign based on ACMG/AMP sequence variant interpretation guidelines (Richards et al. 2015 PMID: 25741868, with internal and published modifications).

NM_000540.3(RYR1):c.9723C>T (p.Pro3241=)

Gene: RYR1 (ryanodine receptor 1; plus strand). Cytogenetic location: 19q13.2.
Variant type: single nucleotide variant.
Coding change: c.9723C>T on transcript NM_000540.3 (MANE Select); coding-DNA position 9723, C replaced by T.
Protein change: p.Pro3241=; no amino-acid change (proline 3241 retained).
Molecular consequence: synonymous variant.
Genome position (GRCh38, 1-based): chr19:38,517,396, C>T. VCF-style: chr19-38517396-C-T. GRCh37 (hg19) VCF-style: chr19-39008036-C-T.
Other names: c.9723C>T, p.Pro3241= (NM_001042723.2).
Identifiers: ClinVar variation 167622 (VCV000167622.20), dbSNP rs199828145, ClinGen allele CA025001.